The following is an entry in ClinVar:

ClinVar aggregate classification (germline): Pathogenic (1 of 4 stars; one submission).

Conditions:
Fanconi anemia (FA). Also called: Fanconi's anemia. Identifiers: Orphanet 84, MedGen C0015625, MeSH D005199, MONDO:0019391.

gnomAD v4.1: 1 of 1,613,938 alleles (0.000062%); highest among the groups gnomAD compares: Middle Eastern, 0.017%; no homozygotes.

Submission:

Labcorp Genetics (formerly Invitae), Labcorp
Classification: Pathogenic for Fanconi anemia. Last evaluated: 2023-02-18. Review status: criteria provided, single submitter. Criteria: Invitae Variant Classification Sherloc (09022015). Collection method: clinical testing. Allele origin: germline.
Comment: For these reasons, this variant has been classified as Pathogenic. This premature translational stop signal has been observed in individual(s) with clinical features of Fanconi anemia (PMID: 24584348). This variant is not present in population databases (gnomAD no frequency). This sequence change creates a premature translational stop signal (p.Gln706*) in the FANCD2 gene. It is expected to result in an absent or disrupted protein product. Loss-of-function variants in FANCD2 are known to be pathogenic (PMID: 17436244).

Literature cited by the submitters: PubMed 24584348; PubMed 17436244.

NM_001018115.3(FANCD2):c.2116C>T (p.Gln706Ter)

Genes: FANCD2 (FA complementation group D2; plus strand), LOC107303338 (3p25 FANCD2 Alu-mediated recombination region; plus strand). Cytogenetic location: 3p25.3.
Variant type: single nucleotide variant.
Coding change: c.2116C>T on transcript NM_001018115.3 (MANE Select); coding-DNA position 2116, C replaced by T.
Protein change: p.Gln706Ter; replaces glutamine 706 with a stop codon.
Molecular consequence: nonsense.
Genome position (GRCh38, 1-based): chr3:10,064,823, C>T. VCF-style: chr3-10064823-C-T. GRCh37 (hg19) VCF-style: chr3-10106507-C-T.
Other names: c.2116C>T, p.Gln706Ter (NM_001319984.2, NM_001374254.1, NM_033084.6); c.2005C>T, p.Gln669Ter (NM_001374253.1); short protein forms Q669*, Q706*.
Identifiers: ClinVar variation 3005199 (VCV003005199.3), dbSNP rs147532349, ClinGen allele CA351733477.
Genomic context (GRCh38, chr3:10,064,823, plus strand): 5'-CTGGAAGAATACGACACTCAGGATGGGATTGCCATAAACCTCCTGCCGCTGCTGTTTTCT[C>T]AGGACTTTGCAAAAGATGGGGGTCCGGTGACCTCACAGGAATCAGGCCAAAAGTCAGTAT-3'